The following is an entry in ClinVar:

ClinVar aggregate classification (germline): Pathogenic (1 of 4 stars; one submission).

Conditions:
X-linked Emery-Dreifuss muscular dystrophy. Also called: Muscular dystrophy, tardive Emery-Dreifuss type, with contractures. Identifiers: Orphanet 261, Orphanet 98863, MedGen C0751337, MONDO:0010680.

Submission:

Labcorp Genetics (formerly Invitae), Labcorp
Classification: Pathogenic for X-linked Emery-Dreifuss muscular dystrophy. Last evaluated: 2024-10-07. Review status: criteria provided, single submitter. Criteria: Invitae Variant Classification Sherloc (09022015). Collection method: clinical testing. Allele origin: germline.
Comment: This sequence change creates a premature translational stop signal (p.Lys79Argfs*42) in the EMD gene. It is expected to result in an absent or disrupted protein product. Loss-of-function variants in EMD are known to be pathogenic (PMID: 24365856). This variant is not present in population databases (gnomAD no frequency). This variant has not been reported in the literature in individuals affected with EMD-related conditions. For these reasons, this variant has been classified as Pathogenic.

Literature cited by the submitters: PubMed 24365856.

NM_000117.3(EMD):c.236_239del (p.Lys79fs)

Gene: EMD (emerin; plus strand). Cytogenetic location: Xq28.
Variant type: Microsatellite.
Coding change: c.236_239del on transcript NM_000117.3 (MANE Select); coding-DNA positions 236 to 239, 4 bases deleted (AAGA; older notation c.236_239delAAGA).
Protein change: p.Lys79fs; shifts the reading frame from lysine 79.
Molecular consequence: frameshift variant.
Genome position (GRCh38, 1-based): chrX:154,379,990-154,379,993, AAGA deleted; deleting any 4 consecutive bases within chrX:154,379,986-154,379,993 gives the same sequence; the c. name uses the placement nearest the transcript's 3' end. VCF-style (leftmost placement, unchanged base first): chrX-154379985-CAAGA-C. GRCh37 (hg19) VCF-style: chrX-153608345-CAAGA-C.
Other names: short protein forms K79fs.
Identifiers: ClinVar variation 3659615 (VCV003659615.2).